The following is an entry in ClinVar:

ClinVar aggregate classification (germline): Uncertain significance (1 of 4 stars; one submission).

Conditions:
Autosomal dominant Alport syndrome (ATS3A). Also called: Alport syndrome dominant type; Renal failure and sensorineural hearing loss; ALPORT SYNDROME 3A, AUTOSOMAL DOMINANT. Identifiers: Orphanet 63, Orphanet 88918, MedGen C5882663, MONDO:0007086, OMIM 104200.

gnomAD v4.1: 2 of 1,612,802 alleles (0.00012%); highest among the groups gnomAD compares: African/African-American, 0.0013%; no homozygotes.

Submission:

Genetics laboratory, Institute of Kidney Diseases & Research Centre Dr. H.L. Trivedi Institute Of Transplantation Sciences
Classification: Uncertain significance for Autosomal dominant Alport syndrome. Last evaluated: 2026-03-27. Review status: criteria provided, single submitter. Criteria: ACMG Guidelines, 2015. Collection method: clinical testing. Allele origin: germline. Inheritance: Autosomal dominant inheritance. Affected: yes. Observed: 1 variant allele, 1 heterozygote.
Comment: The COL4A3 variant c.3355G>A (p.Gly1119Ser) is classified as a Variant of Uncertain Significance (VUS) based on ACMG criteria. The variant results in substitution of a highly conserved glycine residue within the collagenous Gly-X-Y domain, a recognized functional region of COL4A3 involved in collagen IV triple-helix formation. Although glycine substitutions in this region are known to be associated with Alport syndrome, the current available evidence is insufficient to confirm pathogenicity; therefore, the variant remains classified as VUS.

NM_000091.5(COL4A3):c.3355G>A (p.Gly1119Ser)

Genes: COL4A3 (collagen type IV alpha 3 chain; plus strand), MFF-DT (MFF divergent transcript; minus strand). Cytogenetic location: 2q36.3.
Variant type: single nucleotide variant.
Coding change: c.3355G>A on transcript NM_000091.5 (MANE Select); coding-DNA position 3355, G replaced by A.
Protein change: p.Gly1119Ser; replaces glycine 1119 with serine.
Molecular consequence: missense variant.
Genome position (GRCh38, 1-based): chr2:227,294,507, G>A. VCF-style: chr2-227294507-G-A. GRCh37 (hg19) VCF-style: chr2-228159223-G-A.
Other names: short protein forms G1119S.
Identifiers: ClinVar variation 4851328 (VCV004851328.1).
Genomic context (GRCh38, chr2:227,294,507, plus strand): 5'-TTTTGGTGATCTTTTTTCTTCCTTCCCCTCTCTTCATTTCCAGGAAAGCCAGGTCCTCAT[G>A]GTGATTTGGGTTTTAAAGGAATCAAAGGCCTCCTGGGCCCTCCAGGAATCAGAGGCCCTC-3'
Protein context (NP_000082.2, residues 1109-1129): PGLPGKPGPH[Gly1119Ser]DLGFKGIKGL